The following is an entry in ClinVar:

NM_000465.4(BARD1):c.657T>C (p.Asn219=)

Gene: BARD1 (BRCA1 associated RING domain 1; minus strand). Cytogenetic location: 2q35.
Variant type: single nucleotide variant.
Coding change: c.657T>C on transcript NM_000465.4 (MANE Select); coding-DNA position 657, T replaced by C.
Protein change: p.Asn219=; no amino-acid change (asparagine 219 retained).
Molecular consequence: synonymous variant. On other transcripts: non-coding transcript variant (2), intron variant (3).
Genome position (GRCh38, 1-based): chr2:214,781,217, A>G on the plus strand (T>C on the coding strand, the complement: BARD1 is on the minus strand). VCF-style: chr2-214781217-A-G. GRCh37 (hg19) VCF-style: chr2-215645941-A-G.
Other names: c.600T>C, p.Asn200= (NM_001282543.2); c.158+28195T>C (NM_001282548.2); c.215+15844T>C (NM_001282545.2); c.364+11080T>C (NM_001282549.2).
Identifiers: ClinVar variation 3378643 (VCV003378643.1).

ClinVar aggregate classification (germline): Benign (1 of 4 stars; one submission).

Conditions:
Familial cancer of breast. Also called: hereditary breast carcinoma; Hereditary breast cancer; BREAST CANCER, FAMILIAL. Identifiers: Orphanet 227535, MedGen C0346153, MONDO:0016419, OMIM 114480. Disease mechanism: loss of function.

Submission:

Myriad Genetics, Inc.
Classification: Benign for Familial cancer of breast. Last evaluated: 2024-07-22. Review status: criteria provided, single submitter. Criteria: Myriad Autosomal Dominant, Autosomal Recessive and X-Linked Classification Criteria (2023). Collection method: clinical testing. Allele origin: unknown.
Comment: This variant is considered benign. This variant is a silent/synonymous amino acid change and it is not expected to impact splicing.